The following is an entry in ClinVar:

NM_001042681.2(RERE):c.2565C>A (p.His855Gln)

Gene: RERE (arginine-glutamic acid dipeptide repeats; minus strand). Cytogenetic location: 1p36.23.
Variant type: single nucleotide variant.
Coding change: c.2565C>A on transcript NM_001042681.2 (MANE Select); coding-DNA position 2565, C replaced by A.
Protein change: p.His855Gln; replaces histidine 855 with glutamine.
Molecular consequence: missense variant.
Genome position (GRCh38, 1-based): chr1:8,360,942, G>T on the plus strand (C>A on the coding strand, the complement: RERE is on the minus strand). VCF-style: chr1-8360942-G-T. GRCh37 (hg19) VCF-style: chr1-8421002-G-T.
Other names: c.903C>A, p.His301Gln (NM_001042682.2); c.2565C>A, p.His855Gln (NM_012102.4); short protein forms H301Q, H855Q.
Identifiers: ClinVar variation 1699314 (VCV001699314.3), dbSNP rs1641546992, ClinGen allele CA338172360.

ClinVar aggregate classification (germline): Uncertain significance (1 of 4 stars; one submission).

Conditions:
Neurodevelopmental disorder with or without anomalies of the brain, eye, or heart (NEDBEH). Identifiers: Orphanet 494344, MedGen C5567477, MONDO:0014857, OMIM 616975.

Allele frequency attached by ClinVar (database versions not stated): gnomAD exomes 0.00002.
gnomAD v4.1: 26 of 1,463,290 alleles (0.0018%); highest among the groups gnomAD compares: Non-Finnish European, 0.0022%; no homozygotes.

Submission:

Victorian Clinical Genetics Services, Murdoch Childrens Research Institute
Classification: Uncertain significance for Neurodevelopmental disorder with or without anomalies of the brain, eye, or heart. Last evaluated: 2022-06-24. Review status: criteria provided, single submitter. Criteria: ACMG Guidelines, 2015. Collection method: clinical testing. Allele origin: germline. Inheritance: Autosomal dominant inheritance. Affected: yes.
Comment: Based on the classification scheme VCGS_Germline_v1.3.4, this variant is classified as VUS-3B. Following criteria are met: 0102 - Loss of function is a known mechanism of disease in this gene and is associated with neurodevelopmental disorder with or without anomalies of the brain, eye, or heart (MIM#616975). (I) 0107 - This gene is associated with autosomal dominant disease. (I) 0200 - Variant is predicted to result in a missense amino acid change from histidine to glutamine. (I) 0251 - This variant is heterozygous. (I) 0301 - Variant is absent from gnomAD (both v2 and v3). (SP) 0502 - Missense variant with conflicting in silico predictions and uninformative conservation. (I) 0604 - Variant is not located in an established domain, motif, hotspot or informative constraint region. (I) 0705 - No comparable missense variants have previous evidence for pathogenicity. (I) 0807 - This variant has no previous evidence of pathogenicity. (I) 0905 - No published segregation evidence has been identified for this variant. (I) 1007 - No published functional evidence has been identified for this variant. (I) 1208 - Inheritance information for this variant is not currently available in this individual. (I) Legend: (SP) - Supporting pathogenic, (I) - Information, (SB) - Supporting benign